The following is an entry in ClinVar:

ClinVar aggregate classification (germline): Uncertain significance (1 of 4 stars; one submission).

gnomAD v4.1: 1 of 1,614,104 alleles (0.000062%); highest among the groups gnomAD compares: South Asian, 0.0011%; no homozygotes.

Submission:

Labcorp Genetics (formerly Invitae), Labcorp
Classification: Uncertain significance. Last evaluated: 2021-09-16. Review status: criteria provided, single submitter. Criteria: Invitae Variant Classification Sherloc (09022015). Collection method: clinical testing. Allele origin: germline.
Comment: In summary, the available evidence is currently insufficient to determine the role of this variant in disease. Therefore, it has been classified as a Variant of Uncertain Significance. Variants that disrupt the consensus splice site are a relatively common cause of aberrant splicing (PMID: 17576681, 9536098). Algorithms developed to predict the effect of sequence changes on RNA splicing suggest that this variant may disrupt the consensus splice site. This variant has not been reported in the literature in individuals affected with PTH1R-related conditions. This variant is present in population databases (rs760681173, ExAC 0.01%). This sequence change falls in intron 14 of the PTH1R gene. It does not directly change the encoded amino acid sequence of the PTH1R protein. It affects a nucleotide within the consensus splice site of the intron.

Literature cited by the submitters: PubMed 17576681; PubMed 9536098.

NM_000316.3(PTH1R):c.1353+5G>T

Gene: PTH1R (parathyroid hormone 1 receptor; plus strand). Cytogenetic location: 3p21.31.
Variant type: single nucleotide variant.
Coding change: c.1353+5G>T on transcript NM_000316.3 (MANE Select); 5 bases into the intron after coding-DNA position 1353, G replaced by T.
Molecular consequence: intron variant.
Genome position (GRCh38, 1-based): chr3:46,902,672, G>T. VCF-style: chr3-46902672-G-T. GRCh37 (hg19) VCF-style: chr3-46944162-G-T.
Other names: c.1353+5G>T (NM_001184744.1).
Identifiers: ClinVar variation 1518201 (VCV001518201.6), dbSNP rs760681173, ClinGen allele CA2359487.